The following is an entry in ClinVar:

ClinVar aggregate classification (germline): Uncertain significance (1 of 4 stars; one submission).

Conditions:
Congenital myotonia, autosomal recessive form. Also called: BECKER DISEASE; Becker Generalized Myotonia; myotonia congenita, autosomal recessive. Identifiers: Orphanet 614, MedGen C0751360, MONDO:0009715, OMIM 255700.
Congenital myotonia, autosomal dominant form (THD). Also called: THOMSEN DISEASE; Myotonia congenita autosomal dominant. Identifiers: Orphanet 614, MedGen C2936781, MONDO:0008055, OMIM 160800.

Allele frequency attached by ClinVar (database versions not stated): gnomAD 0.00002; TOPMed 0.00003; ExAC 0.00005; 1000 Genomes Project 0.00020; 1000 Genomes Project 30x 0.00031.
gnomAD v4.1: 23 of 1,559,668 alleles (0.0015%); highest among the groups gnomAD compares: Non-Finnish European, 0.002%; no homozygotes.

Submission:

Labcorp Genetics (formerly Invitae), Labcorp
Classification: Uncertain significance for Congenital myotonia, autosomal recessive form; Congenital myotonia, autosomal dominant form. Last evaluated: 2024-06-26. Review status: criteria provided, single submitter. Criteria: Invitae Variant Classification Sherloc (09022015). Collection method: clinical testing. Allele origin: germline.
Comment: This sequence change replaces methionine, which is neutral and non-polar, with valine, which is neutral and non-polar, at codon 677 of the CLCN1 protein (p.Met677Val). The frequency data for this variant in the population databases is considered unreliable, as metrics indicate poor data quality at this position in the gnomAD database. This variant has not been reported in the literature in individuals affected with CLCN1-related conditions. ClinVar contains an entry for this variant (Variation ID: 2046205). Advanced modeling of protein sequence and biophysical properties (such as structural, functional, and spatial information, amino acid conservation, physicochemical variation, residue mobility, and thermodynamic stability) performed at Invitae indicates that this missense variant is not expected to disrupt CLCN1 protein function with a negative predictive value of 95%. In summary, the available evidence is currently insufficient to determine the role of this variant in disease. Therefore, it has been classified as a Variant of Uncertain Significance.

NM_000083.3(CLCN1):c.2029A>G (p.Met677Val)

Genes: CLCN1 (chloride voltage-gated channel 1; plus strand), LOC123956257 (Sharpr-MPRA regulatory region 4117; plus strand). Cytogenetic location: 7q34.
Variant type: single nucleotide variant.
Coding change: c.2029A>G on transcript NM_000083.3 (MANE Select); coding-DNA position 2029, A replaced by G.
Protein change: p.Met677Val; replaces methionine 677 with valine.
Molecular consequence: missense variant. On other transcripts: non-coding transcript variant (1).
Genome position (GRCh38, 1-based): chr7:143,345,619, A>G. VCF-style: chr7-143345619-A-G. GRCh37 (hg19) VCF-style: chr7-143042712-A-G.
Other names: short protein forms M677V.
Identifiers: ClinVar variation 2046205 (VCV002046205.3), dbSNP rs552596358, ClinGen allele CA4537534.